The following is an entry in ClinVar:

ClinVar aggregate classification (germline): Pathogenic/Likely pathogenic. Review status: criteria provided, multiple submitters, no conflicts (2 of 4 stars). 4 submissions from 4 submitters: Pathogenic (3); Likely pathogenic (1). Last evaluated 2024-04-19.

Conditions:
Autosomal recessive ataxia, Beauce type. Also called: ATAXIA, RECESSIVE, OF BEAUCE; Spinocerebellar ataxia, autosomal recessive 8; SYNE1 Deficiency; SYNE1-Related Autosomal Recessive Cerebellar Ataxia. Identifiers: Orphanet 88644, MedGen C1853116, MONDO:0012549, OMIM 610743.
Emery-Dreifuss muscular dystrophy 4, autosomal dominant (EDMD4). Also called: EMERY-DREIFUSS MUSCULAR DYSTROPHY 4 WITH VARIABLE FEATURES. Identifiers: Orphanet 261, MedGen C2751807, MONDO:0013071, OMIM 612998.
SYNE1-related disorder. Also called: SYNE1-related disorders; SYNE1-related disease; SYNE1-related condition.

Allele frequency attached by ClinVar (database versions not stated): gnomAD exomes below 0.00001; ExAC 0.00001.

Submissions (4):

Blueprint Genetics
Classification: Likely pathogenic for SYNE1-related disorders. Last evaluated: 2024-04-19. Review status: criteria provided, single submitter. Criteria: ACMG Guidelines, 2015. Collection method: clinical testing. Allele origin: germline. Affected: yes. Observed: 3 variant alleles.

Institute of Human Genetics, University of Leipzig Medical Center
Classification: Pathogenic for Autosomal recessive ataxia, Beauce type. Last evaluated: 2024-02-19. Review status: criteria provided, single submitter. Criteria: ACMG Guidelines, 2015. Collection method: clinical testing. Allele origin: unknown. Affected: yes.
Comment: Criteria applied: PVS1,PS4_SUP,PM2_SUP

Labcorp Genetics (formerly Invitae), Labcorp
Classification: Pathogenic for Emery-Dreifuss muscular dystrophy 4, autosomal dominant; Autosomal recessive ataxia, Beauce type. Last evaluated: 2024-01-31. Review status: criteria provided, single submitter. Criteria: Invitae Variant Classification Sherloc (09022015). Collection method: clinical testing. Allele origin: germline.
Comment: This sequence change creates a premature translational stop signal (p.Val2969Glyfs*15) in the SYNE1 gene. It is expected to result in an absent or disrupted protein product. Loss-of-function variants in SYNE1 are known to be pathogenic (PMID: 19542096, 24319099, 27086870). This variant is present in population databases (rs750544827, gnomAD 0.0009%). This variant has not been reported in the literature in individuals affected with SYNE1-related conditions. ClinVar contains an entry for this variant (Variation ID: 586747). For these reasons, this variant has been classified as Pathogenic.

Athena Diagnostics
Classification: Pathogenic. Last evaluated: 2018-08-22. Review status: criteria provided, single submitter. Criteria: Athena Diagnostics Criteria. Collection method: clinical testing. Allele origin: germline.

Literature cited by the submitters: PubMed 19542096 (cited by Labcorp Genetics (formerly Invitae), Labcorp); PubMed 24319099 (cited by Labcorp Genetics (formerly Invitae), Labcorp); PubMed 27086870 (cited by Labcorp Genetics (formerly Invitae), Labcorp).

NM_182961.4(SYNE1):c.8885del (p.Val2962fs)

Genes: SYNE1 (spectrin repeat containing nuclear envelope protein 1; minus strand), SYNE1-AS1 (SYNE1 antisense RNA 1; plus strand). Cytogenetic location: 6q25.2.
Variant type: Deletion.
Coding change: c.8885del on transcript NM_182961.4 (MANE Select); coding-DNA position 8885, one base deleted (T; older notation c.8885delT).
Protein change: p.Val2962fs; shifts the reading frame from valine 2962.
Molecular consequence: frameshift variant. On other transcripts: non-coding transcript variant (1).
Genome position (GRCh38, 1-based): chr6:152,381,130, A deleted on the plus strand (T on the coding strand, the reverse complement: SYNE1 is on the minus strand). VCF-style (leftmost placement, unchanged base first): chr6-152381129-CA-C. GRCh37 (hg19) VCF-style: chr6-152702264-CA-C.
Other names: c.8906del, p.Val2969fs (NM_033071.5); short protein forms V2969fs, V2962fs.
Identifiers: ClinVar variation 586747 (VCV000586747.8), dbSNP rs750544827, ClinGen allele CA4057441.